The following is an entry in ClinVar:

ClinVar aggregate classification (germline): Uncertain significance (1 of 4 stars; one submission).

Allele frequency attached by ClinVar (database versions not stated): TOPMed below 0.00001.

Submission:

Labcorp Genetics (formerly Invitae), Labcorp
Classification: Uncertain significance. Last evaluated: 2022-08-11. Review status: criteria provided, single submitter. Criteria: Invitae Variant Classification Sherloc (09022015). Collection method: clinical testing. Allele origin: germline.
Comment: This sequence change replaces threonine, which is neutral and polar, with serine, which is neutral and polar, at codon 1511 of the LRP2 protein (p.Thr1511Ser). This variant is present in population databases (rs774238132, gnomAD 0.03%). This variant has not been reported in the literature in individuals affected with LRP2-related conditions. Algorithms developed to predict the effect of missense changes on protein structure and function (SIFT, PolyPhen-2, Align-GVGD) all suggest that this variant is likely to be tolerated. In summary, the available evidence is currently insufficient to determine the role of this variant in disease. Therefore, it has been classified as a Variant of Uncertain Significance.

NM_004525.3(LRP2):c.4532C>G (p.Thr1511Ser)

Gene: LRP2 (LDL receptor related protein 2; minus strand). Cytogenetic location: 2q31.1.
Variant type: single nucleotide variant.
Coding change: c.4532C>G on transcript NM_004525.3 (MANE Select); coding-DNA position 4532, C replaced by G.
Protein change: p.Thr1511Ser; replaces threonine 1511 with serine.
Molecular consequence: missense variant.
Genome position (GRCh38, 1-based): chr2:169,237,262, G>C on the plus strand (C>G on the coding strand, the complement: LRP2 is on the minus strand). VCF-style: chr2-169237262-G-C. GRCh37 (hg19) VCF-style: chr2-170093772-G-C.
Other names: short protein forms T1511S.
Identifiers: ClinVar variation 1983815 (VCV001983815.1), dbSNP rs774238132, ClinGen allele CA1954777.